The following is an entry in ClinVar:

NM_000718.4(CACNA1B):c.57G>A (p.Glu19=)

Genes: CACNA1B (calcium voltage-gated channel subunit alpha1 B; plus strand), CACNA1B-AS2 (CACNA1B antisense RNA 2; minus strand). Cytogenetic location: 9q34.3.
Variant type: single nucleotide variant.
Coding change: c.57G>A on transcript NM_000718.4 (MANE Select); coding-DNA position 57, G replaced by A.
Protein change: p.Glu19=; no amino-acid change (glutamic acid 19 retained).
Molecular consequence: synonymous variant.
Genome position (GRCh38, 1-based): chr9:137,877,990, G>A. VCF-style: chr9-137877990-G-A. GRCh37 (hg19) VCF-style: chr9-140772442-G-A.
Other names: c.57G>A, p.Glu19= (NM_001243812.2).
Identifiers: ClinVar variation 1237524 (VCV001237524.7), dbSNP rs191962352, ClinGen allele CA5375607.
Genomic context (GRCh38, chr9:137,877,990, plus strand): 5'-AGCCATGGTCCGCTTCGGGGACGAGCTGGGCGGCCGCTATGGGGGCCCCGGCGGCGGAGA[G>A]CGGGCCCGGGGCGGCGGGGCCGGCGGGGCGGGGGGCCCGGGTCCCGGGGGGCTGCAGCCC-3'
Protein context (NP_000709.1, residues 9-29): GGRYGGPGGG[Glu19=]RARGGGAGGA

ClinVar aggregate classification (germline): Benign/Likely benign. Review status: criteria provided, multiple submitters, no conflicts (2 of 4 stars). 4 submissions from 4 submitters: Benign (2); Likely benign (1). 1 of the submissions does not count toward it. Last evaluated 2024-11-27.

Conditions:
CACNA1B-related disorder. Also called: CACNA1B-related condition.

Allele frequency attached by ClinVar (database versions not stated): 1000 Genomes Project 30x 0.08620; 1000 Genomes Project 0.08726; gnomAD exomes 0.11699; ExAC 0.19747.
gnomAD v4.1: 171,006 of 1,151,934 alleles (15%); highest among the groups gnomAD compares: Admixed American, 17%; 2,573 homozygotes.

Submissions (4):

Blueprint Genetics
Classification: Likely benign. Last evaluated: 2024-11-27. Review status: criteria provided, single submitter. Criteria: ACMG Guidelines, 2015. Collection method: clinical testing. Allele origin: germline.

GeneDx
Classification: Benign. Last evaluated: 2020-07-28. Review status: criteria provided, single submitter. Criteria: GeneDx Variant Classification Process June 2021. Collection method: clinical testing. Allele origin: germline. Affected: yes.

Breakthrough Genomics
Classification: Benign. Review status: criteria provided, single submitter. Criteria: ACMG Guidelines, 2015. Collection method: not provided. Allele origin: germline. Inheritance: Autosomal recessive inheritance. Affected: yes.

PreventionGenetics, part of Exact Sciences
Classification: Benign for CACNA1B-related condition. Last evaluated: 2023-12-01. Review status: no assertion criteria provided. Collection method: clinical testing. Allele origin: germline. Not counted in ClinVar's aggregate classification.
Comment: This variant is classified as benign based on ACMG/AMP sequence variant interpretation guidelines (Richards et al. 2015 PMID: 25741868, with internal and published modifications).